The following is an entry in ClinVar:

NM_021930.6(RINT1):c.479C>T (p.Ala160Val)

Gene: RINT1 (RAD50 interactor 1; plus strand). Cytogenetic location: 7q22.3.
Variant type: single nucleotide variant.
Coding change: c.479C>T on transcript NM_021930.6 (MANE Select); coding-DNA position 479, C replaced by T.
Protein change: p.Ala160Val; replaces alanine 160 with valine.
Molecular consequence: missense variant. On other transcripts: 5 prime UTR variant (3), non-coding transcript variant (1).
Genome position (GRCh38, 1-based): chr7:105,542,613, C>T. VCF-style: chr7-105542613-C-T. GRCh37 (hg19) VCF-style: chr7-105183060-C-T.
Other names: c.245C>T, p.Ala82Val (NM_001346599.2); c.-541C>T (NM_001346600.2); c.-444C>T (NM_001346601.2); c.-64C>T (NM_001346603.2); short protein forms A160V, A82V.
Identifiers: ClinVar variation 2625519 (VCV002625519.2), dbSNP rs747182016, ClinGen allele CA4426434.
Genomic context (GRCh38, chr7:105,542,613, plus strand): 5'-CTTGGATGGACGATCTTGGAACCATGATTAGCCAGATTGAAGAGATCGAACGTCATCTTG[C>T]TTACCTTAAATGGATTTCACAAATTGAAGAACTAAGGTAAAATGGGCCTCTTTGTTCTCA-3'
Protein context (NP_068749.3, residues 150-170): SQIEEIERHL[Ala160Val]YLKWISQIEE

ClinVar aggregate classification (germline): Uncertain significance (1 of 4 stars; one submission).

Allele frequency attached by ClinVar (database versions not stated): gnomAD exomes below 0.00001; ExAC 0.00001; gnomAD 0.00001; TOPMed 0.00001.

Submission:

Ambry Genetics
Classification: Uncertain significance. Last evaluated: 2023-06-28. Review status: criteria provided, single submitter. Criteria: Ambry Variant Classification Scheme 2023. Collection method: clinical testing. Allele origin: germline.
Comment: The p.A160V variant (also known as c.479C>T), located in coding exon 4 of the RINT1 gene, results from a C to T substitution at nucleotide position 479. The alanine at codon 160 is replaced by valine, an amino acid with similar properties. This amino acid position is conserved. In addition, this alteration is predicted to be tolerated by in silico analysis. Since supporting evidence is limited at this time, the clinical significance of this alteration remains unclear.